The following is an entry in ClinVar:

ClinVar aggregate classification (germline): Uncertain significance (0 of 4 stars; one submission).

Conditions:
APP-related disorder. Also called: APP-related condition.

gnomAD v4.1: 6 of 1,613,762 alleles (0.00037%); highest among the groups gnomAD compares: East Asian, 0.0022%; no homozygotes.

Submission:

PreventionGenetics, part of Exact Sciences
Classification: Uncertain significance for APP-related condition. Last evaluated: 2024-08-11. Review status: no assertion criteria provided. Collection method: clinical testing. Allele origin: germline.
Comment: The APP c.1190G>C variant is predicted to result in the amino acid substitution p.Arg397Thr. To our knowledge, this variant has not been reported in the literature. This variant is reported in 0.0054% of alleles in individuals of East Asian descent in gnomAD. At this time, the clinical significance of this variant is uncertain due to the absence of conclusive functional and genetic evidence.

NM_000484.4(APP):c.1190G>C (p.Arg397Thr)

Gene: APP (amyloid beta precursor protein; minus strand). Cytogenetic location: 21q21.3.
Variant type: single nucleotide variant.
Coding change: c.1190G>C on transcript NM_000484.4 (MANE Select); coding-DNA position 1190, G replaced by C.
Protein change: p.Arg397Thr; replaces arginine 397 with threonine.
Molecular consequence: missense variant.
Genome position (GRCh38, 1-based): chr21:25,982,378, C>G on the plus strand (G>C on the coding strand, the complement: APP is on the minus strand). VCF-style: chr21-25982378-C-G. GRCh37 (hg19) VCF-style: chr21-27354691-C-G.
Other names: c.1118G>C, p.Arg373Thr (NM_001136016.3); c.797G>C, p.Arg266Thr (NM_001136129.3); c.1022G>C, p.Arg341Thr (NM_001136130.3, NM_001385253.1); c.860G>C, p.Arg287Thr (NM_001136131.3); c.1190G>C, p.Arg397Thr (NM_001204301.2); c.1133G>C, p.Arg378Thr (NM_001204302.2, NM_201413.3); c.965G>C, p.Arg322Thr (NM_001204303.2, NM_201414.3); short protein forms R266T, R287T, R322T, R341T, R373T, R378T, R397T.
Identifiers: ClinVar variation 3351629 (VCV003351629.1).